The following is an entry in ClinVar:

NM_016373.4(WWOX):c.321C>T (p.Tyr107=)

Gene: WWOX (WW domain containing oxidoreductase; plus strand). Cytogenetic location: 16q23.1.
Variant type: single nucleotide variant.
Coding change: c.321C>T on transcript NM_016373.4 (MANE Select); coding-DNA position 321, C replaced by T.
Protein change: p.Tyr107=; no amino-acid change (tyrosine 107 retained).
Molecular consequence: synonymous variant. On other transcripts: 5 prime UTR variant (1), non-coding transcript variant (1).
Genome position (GRCh38, 1-based): chr16:78,115,066, C>T. VCF-style: chr16-78115066-C-T. GRCh37 (hg19) VCF-style: chr16-78148963-C-T.
Other names: c.-19C>T (NM_001291997.2); c.321C>T, p.Tyr107= (NM_130791.5).
Identifiers: ClinVar variation 473022 (VCV000473022.14), dbSNP rs373306276, ClinGen allele CA8183154.

ClinVar aggregate classification (germline): Likely benign. Review status: criteria provided, single submitter (1 of 4 stars). 2 submissions from 2 submitters: Likely benign (1). 1 of the submissions does not count toward it. Last evaluated 2025-12-21.

Conditions:
Autosomal recessive spinocerebellar ataxia 12. Also called: SPINOCEREBELLAR ATAXIA WITH MENTAL RETARDATION AND EPILEPSY. Identifiers: Orphanet 284282, MedGen C3280452, MONDO:0013687, OMIM 614322.
Developmental and epileptic encephalopathy, 1 (DEE1). Also called: X-linked infantile spasms; West's syndrome; Tonic spasms with clustering, arrest of psychomotor development and hypsarrhythmia on EEG; X-Linked Infantile Spasm Syndrome; OHTAHARA SYNDROME, X-LINKED; INFANTILE SPASM SYNDROME, X-LINKED 1. Identifiers: MedGen C3463992, MONDO:0010632, OMIM 308350. Disease mechanism: loss of function.
WWOX-related disorder. Also called: WWOX-related condition.

Allele frequency attached by ClinVar (database versions not stated): gnomAD 0.00004 and 0.00005; TOPMed 0.00005; gnomAD exomes 0.00006; ESP Exome Variant Server 0.00008.
gnomAD v4.1: 74 of 1,614,042 alleles (0.0046%); highest among the groups gnomAD compares: South Asian, 0.031%; no homozygotes.

Submissions (2):

Labcorp Genetics (formerly Invitae), Labcorp
Classification: Likely benign for Developmental and epileptic encephalopathy, 1; Autosomal recessive spinocerebellar ataxia 12. Last evaluated: 2025-12-21. Review status: criteria provided, single submitter. Criteria: Invitae Variant Classification Sherloc (09022015). Collection method: clinical testing. Allele origin: germline.

PreventionGenetics, part of Exact Sciences
Classification: Likely benign for WWOX-related condition. Last evaluated: 2019-08-23. Review status: no assertion criteria provided. Collection method: clinical testing. Allele origin: germline. Not counted in ClinVar's aggregate classification.
Comment: This variant is classified as likely benign based on ACMG/AMP sequence variant interpretation guidelines (Richards et al. 2015 PMID: 25741868, with internal and published modifications).